The following is an entry in ClinVar:

NM_001203.3(BMPR1B):c.470C>T (p.Pro157Leu)

Gene: BMPR1B (bone morphogenetic protein receptor type 1B; plus strand). Cytogenetic location: 4q22.3.
Variant type: single nucleotide variant.
Coding change: c.470C>T on transcript NM_001203.3 (MANE Select); coding-DNA position 470, C replaced by T.
Protein change: p.Pro157Leu; replaces proline 157 with leucine.
Molecular consequence: missense variant.
Genome position (GRCh38, 1-based): chr4:95,125,006, C>T. VCF-style: chr4-95125006-C-T. GRCh37 (hg19) VCF-style: chr4-96046157-C-T.
Other names: c.470C>T, p.Pro157Leu (NM_001256792.2, NM_001256794.1); c.560C>T, p.Pro187Leu (NM_001256793.2); short protein forms P157L, P187L.
Identifiers: ClinVar variation 1525094 (VCV001525094.8), dbSNP rs2149292391, ClinGen allele CA357680149.
Genomic context (GRCh38, chr4:95,125,006, plus strand): 5'-TCATTATCTAAAATTATCTTCATCTATCCATCTTTAGGTATAAAAGACAAGAAACCAGAC[C>T]TCGATACAGCATTGGGTTAGAACAGGATGAAACTTACATTCCTCCTGGAGAATCCCTGAG-3'
Protein context (NP_001194.1, residues 147-167): YFRYKRQETR[Pro157Leu]RYSIGLEQDE

ClinVar aggregate classification (germline): Uncertain significance (1 of 4 stars; one submission).

Conditions:
Type A2 brachydactyly (BDA2). Also called: BRACHYMESOPHALANGY II; MOHR-WRIEDT TYPE BRACHYDACTYLY; Brachymesophalangy type 2. Identifiers: Orphanet 93396, MedGen C1832702, MONDO:0007216, OMIM 112600, HP:0009372.
Acromesomelic dysplasia 3 (AMD3). Also called: Acromesomelic dysplasia, Demirhan type; CHONDRODYSPLASIA, ACROMESOMELIC, WITH OR WITHOUT GENITAL ANOMALIES. Identifiers: MedGen C4225404, MONDO:0012274, OMIM 609441.

Submission:

Labcorp Genetics (formerly Invitae), Labcorp
Classification: Uncertain significance for Type A2 brachydactyly; Acromesomelic dysplasia 3. Last evaluated: 2023-09-05. Review status: criteria provided, single submitter. Criteria: Invitae Variant Classification Sherloc (09022015). Collection method: clinical testing. Allele origin: germline.
Comment: In summary, the available evidence is currently insufficient to determine the role of this variant in disease. Therefore, it has been classified as a Variant of Uncertain Significance. Advanced modeling of protein sequence and biophysical properties (such as structural, functional, and spatial information, amino acid conservation, physicochemical variation, residue mobility, and thermodynamic stability) performed at Invitae indicates that this missense variant is not expected to disrupt BMPR1B protein function. ClinVar contains an entry for this variant (Variation ID: 1525094). This variant has not been reported in the literature in individuals affected with BMPR1B-related conditions. This variant is not present in population databases (gnomAD no frequency). This sequence change replaces proline, which is neutral and non-polar, with leucine, which is neutral and non-polar, at codon 157 of the BMPR1B protein (p.Pro157Leu).